The following is an entry in ClinVar:

NM_004385.5(VCAN):c.4534A>T (p.Ser1512Cys)

Genes: VCAN (versican; plus strand), VCAN-AS1 (VCAN antisense RNA 1; minus strand). Cytogenetic location: 5q14.3.
Variant type: single nucleotide variant.
Coding change: c.4534A>T on transcript NM_004385.5 (MANE Select); coding-DNA position 4534, A replaced by T.
Protein change: p.Ser1512Cys; replaces serine 1512 with cysteine.
Molecular consequence: missense variant. On other transcripts: intron variant (2).
Genome position (GRCh38, 1-based): chr5:83,537,537, A>T. VCF-style: chr5-83537537-A-T. GRCh37 (hg19) VCF-style: chr5-82833356-A-T.
Other names: c.1573A>T, p.Ser525Cys (NM_001164097.2); c.4004-8000A>T (NM_001164098.2); c.1043-8000A>T (NM_001126336.3); short protein forms S1512C, S525C.
Identifiers: ClinVar variation 2484607 (VCV002484607.3), dbSNP rs1414193557, ClinGen allele CA360308466.
Genomic context (GRCh38, chr5:83,537,537, plus strand): 5'-CATTTTTCAGGTGGTGAGCCTGATGTTTTCCCCACAGTCCCATTCCATGAGGAATTTGAA[A>T]GTGGAACAGCCAAAAAAGGGGCAGAATCAGTCACAGAGAGAGATACTGAAGTTGGTCATC-3'
Protein context (NP_004376.2, residues 1502-1522): PTVPFHEEFE[Ser1512Cys]GTAKKGAESV

ClinVar aggregate classification (germline): Uncertain significance. Review status: criteria provided, multiple submitters, no conflicts (2 of 4 stars). 2 submissions from 2 submitters: Uncertain significance (2). Last evaluated 2025-06-11.

Conditions:
Inborn genetic diseases. Identifiers: MedGen C0950123, MeSH D030342.

Allele frequency attached by ClinVar (database versions not stated): TOPMed below 0.00001; gnomAD 0.00001.
gnomAD v4.1: 2 of 1,613,806 alleles (0.00012%); highest among the groups gnomAD compares: East Asian, 0.0045%; no homozygotes.

Submissions (2):

Labcorp Genetics (formerly Invitae), Labcorp
Classification: Uncertain significance. Last evaluated: 2025-06-11. Review status: criteria provided, single submitter. Criteria: Invitae Variant Classification Sherloc (09022015). Collection method: clinical testing. Allele origin: germline.
Comment: This sequence change replaces serine, which is neutral and polar, with cysteine, which is neutral and slightly polar, at codon 1512 of the VCAN protein (p.Ser1512Cys). This variant is present in population databases (no rsID available, gnomAD 0.02%). This variant has not been reported in the literature in individuals affected with VCAN-related conditions. ClinVar contains an entry for this variant (Variation ID: 2484607). An algorithm developed to predict the effect of missense changes on protein structure and function (PolyPhen-2) suggests that this variant is likely to be tolerated. In summary, the available evidence is currently insufficient to determine the role of this variant in disease. Therefore, it has been classified as a Variant of Uncertain Significance.

Ambry Genetics
Classification: Uncertain significance for Inborn genetic diseases. Last evaluated: 2023-02-15. Review status: criteria provided, single submitter. Criteria: Ambry Variant Classification Scheme 2023. Collection method: clinical testing. Allele origin: germline.